The following is an entry in ClinVar:

NM_001039876.3(SYNE4):c.1078C>A (p.Leu360Ile)

Gene: SYNE4 (spectrin repeat containing nuclear envelope family member 4; minus strand). Cytogenetic location: 19q13.12.
Variant type: single nucleotide variant.
Coding change: c.1078C>A on transcript NM_001039876.3 (MANE Select); coding-DNA position 1078, C replaced by A.
Protein change: p.Leu360Ile; replaces leucine 360 with isoleucine.
Molecular consequence: missense variant.
Genome position (GRCh38, 1-based): chr19:36,003,474, G>T on the plus strand (C>A on the coding strand, the complement: SYNE4 is on the minus strand). VCF-style: chr19-36003474-G-T. GRCh37 (hg19) VCF-style: chr19-36494376-G-T.
Other names: c.739C>A, p.Leu247Ile (NM_001297735.3); short protein forms L247I, L360I.
Identifiers: ClinVar variation 1658064 (VCV001658064.31), dbSNP rs144951904, ClinGen allele CA9393755.
Genomic context (GRCh38, chr19:36,003,474, plus strand): 5'-GGCCTCCTGACGCGGGCAGGAGAAACATGGCACCCACCAGGAGGAGGAAGAGGAGGAAGA[G>T]GATAAGGAGGAAGGTCAGAGGCTGCCTGGATGCAGGATCGGGGGCCCTGTGAAGGGAAAT-3'
Protein context (NP_001034965.1, residues 350-370): SRQPLTFLLI[Leu360Ile]FLLFLLLVGA

ClinVar aggregate classification (germline): Likely benign. Review status: criteria provided, multiple submitters, no conflicts (2 of 4 stars). 2 submissions from 2 submitters: Likely benign (2). Last evaluated 2026-01-27.

Allele frequency attached by ClinVar (database versions not stated): gnomAD exomes 0.00016; ExAC 0.00030; 1000 Genomes Project 30x 0.00187; 1000 Genomes Project 0.00240.

Submissions (2):

Labcorp Genetics (formerly Invitae), Labcorp
Classification: Likely benign. Last evaluated: 2026-01-27. Review status: criteria provided, single submitter. Criteria: Invitae Variant Classification Sherloc (09022015). Collection method: clinical testing. Allele origin: germline.

CeGaT Center for Human Genetics Tuebingen
Classification: Likely benign. Last evaluated: 2022-10-01. Review status: criteria provided, single submitter. Criteria: CeGaT Center For Human Genetics Tuebingen Variant Classification Criteria Version 2. Collection method: clinical testing. Allele origin: germline. Affected: yes. Observed: 1 variant allele.
Comment: SYNE4: BP4